The following is an entry in ClinVar:

ClinVar aggregate classification (germline): Likely pathogenic (1 of 4 stars; one submission).

Conditions:
Muscular dystrophy-dystroglycanopathy type B6 (MDDGB6). Also called: MUSCULAR DYSTROPHY-DYSTROGLYCANOPATHY (CONGENITAL WITH IMPAIRED INTELLECTUAL DEVELOPMENT), TYPE B, 6; MUSCULAR DYSTROPHY, CONGENITAL, LARGE-RELATED; MUSCULAR DYSTROPHY, CONGENITAL, TYPE 1D. Identifiers: MedGen C1837229, MONDO:0012138, OMIM 608840.

Allele frequency attached by ClinVar (database versions not stated): TOPMed below 0.00001; ExAC 0.00001; gnomAD exomes 0.00001.
gnomAD v4.1: 9 of 1,614,168 alleles (0.00056%); highest among the groups gnomAD compares: Non-Finnish European, 0.00076%; no homozygotes.

Submission:

Labcorp Genetics (formerly Invitae), Labcorp
Classification: Likely pathogenic for Muscular dystrophy-dystroglycanopathy type B6. Last evaluated: 2024-02-24. Review status: criteria provided, single submitter. Criteria: Invitae Variant Classification Sherloc (09022015). Collection method: clinical testing. Allele origin: germline.
Comment: This sequence change affects an acceptor splice site in intron 10 of the LARGE1 gene. It is expected to disrupt RNA splicing. Variants that disrupt the donor or acceptor splice site typically lead to a loss of protein function (PMID: 16199547), and loss-of-function variants in LARGE1 are known to be pathogenic (PMID: 12966029, 17878207). This variant is present in population databases (rs749974211, gnomAD 0.0009%). This variant has not been reported in the literature in individuals affected with LARGE1-related conditions. ClinVar contains an entry for this variant (Variation ID: 1928570). Algorithms developed to predict the effect of sequence changes on RNA splicing suggest that this variant may disrupt the consensus splice site. In summary, the currently available evidence indicates that the variant is pathogenic, but additional data are needed to prove that conclusively. Therefore, this variant has been classified as Likely Pathogenic.

Literature cited by the submitters: PubMed 16199547; PubMed 12966029; PubMed 17878207.

NM_133642.5(LARGE1):c.1132-2A>G

Gene: LARGE1 (LARGE xylosyl- and glucuronyltransferase 1; minus strand). Cytogenetic location: 22q12.3.
Variant type: single nucleotide variant.
Coding change: c.1132-2A>G on transcript NM_133642.5 (MANE Select); the canonical splice acceptor site of the intron before coding-DNA position 1132, A replaced by G.
Molecular consequence: splice acceptor variant. On other transcripts: intron variant (2).
Genome position (GRCh38, 1-based): chr22:33,337,803, T>C on the plus strand (A>G on the coding strand, the complement: LARGE1 is on the minus strand). VCF-style: chr22-33337803-T-C. GRCh37 (hg19) VCF-style: chr22-33733789-T-C.
Other names: c.1132-2A>G (NM_001362953.2, NM_001362949.2, NM_001378627.1 and 6 more transcripts); c.1132-21555A>G (NM_001378629.1); c.529-21555A>G (NM_001378631.1); c.529-2A>G (NM_001378630.1).
Identifiers: ClinVar variation 1928570 (VCV001928570.5), dbSNP rs749974211, ClinGen allele CA10202831.